The following is an entry in ClinVar:

ClinVar aggregate classification (germline): Uncertain significance. Review status: criteria provided, multiple submitters, no conflicts (2 of 4 stars). 2 submissions from 2 submitters: Uncertain significance (2). Last evaluated 2025-04-14.

Conditions:
Ehlers-Danlos syndrome, musculocontractural type 2 (EDSMC2). Identifiers: Orphanet 2953, MedGen C3809845, MONDO:0014236, OMIM 615539.

Allele frequency attached by ClinVar (database versions not stated): 1000 Genomes Project 30x 0.00016.
gnomAD v4.1: 18 of 1,614,088 alleles (0.0011%); highest among the groups gnomAD compares: Admixed American, 0.03%; no homozygotes.

Submissions (2):

Women's Health and Genetics/Laboratory Corporation of America, LabCorp
Classification: Uncertain significance. Last evaluated: 2025-04-14. Review status: criteria provided, single submitter. Criteria: LabCorp Variant Classification Summary - May 2015. Collection method: clinical testing. Allele origin: germline.
Comment: Variant summary: DSE c.101C>G (p.Pro34Arg) results in a non-conservative amino acid change in the encoded protein sequence. Three of four in-silico tools predict a damaging effect of the variant on protein function. The variant allele was found at a frequency of 2.8e-05 in 251388 control chromosomes (gnomAD). The available data on variant occurrences in the general population are insufficient to allow any conclusion about variant significance. To our knowledge, no occurrence of c.101C>G in individuals affected with Ehlers-Danlos syndrome, musculocontractural type 2 and no experimental evidence demonstrating its impact on protein function have been reported. ClinVar contains an entry for this variant (Variation ID: 1441489). Based on the evidence outlined above, the variant was classified as uncertain significance.

Labcorp Genetics (formerly Invitae), Labcorp
Classification: Uncertain significance for Ehlers-Danlos syndrome, musculocontractural type 2. Last evaluated: 2022-04-10. Review status: criteria provided, single submitter. Criteria: Invitae Variant Classification Sherloc (09022015). Collection method: clinical testing. Allele origin: germline.
Comment: This sequence change replaces proline, which is neutral and non-polar, with arginine, which is basic and polar, at codon 34 of the DSE protein (p.Pro34Arg). This variant is present in population databases (rs35548455, gnomAD 0.02%). This variant has not been reported in the literature in individuals affected with DSE-related conditions. Algorithms developed to predict the effect of missense changes on protein structure and function are either unavailable or do not agree on the potential impact of this missense change (SIFT: "Not Available"; PolyPhen-2: "Possibly Damaging"; Align-GVGD: "Not Available"). In summary, the available evidence is currently insufficient to determine the role of this variant in disease. Therefore, it has been classified as a Variant of Uncertain Significance.

NM_013352.4(DSE):c.101C>G (p.Pro34Arg)

Gene: DSE (dermatan sulfate epimerase; plus strand). Cytogenetic location: 6q22.1.
Variant type: single nucleotide variant.
Coding change: c.101C>G on transcript NM_013352.4 (MANE Select); coding-DNA position 101, C replaced by G.
Protein change: p.Pro34Arg; replaces proline 34 with arginine.
Molecular consequence: missense variant. On other transcripts: 5 prime UTR variant (4), non-coding transcript variant (1).
Genome position (GRCh38, 1-based): chr6:116,399,351, C>G. VCF-style: chr6-116399351-C-G. GRCh37 (hg19) VCF-style: chr6-116720514-C-G.
Other names: c.101C>G, p.Pro34Arg (NM_001080976.3, NM_001322937.2, NM_001322938.2 and 3 more transcripts); c.158C>G, p.Pro53Arg (NM_001322939.2); c.-457C>G (NM_001322940.2, NM_001322941.2); c.-800C>G (NM_001374520.1); c.-487C>G (NM_001374521.1); short protein forms P53R, P34R.
Identifiers: ClinVar variation 1441489 (VCV001441489.5), dbSNP rs35548455, ClinGen allele CA3969459.